The following is an entry in ClinVar:

ClinVar aggregate classification (germline): Uncertain significance (1 of 4 stars; one submission).

Conditions:
Cardiomyopathy (CMYO). Also called: Cardiomyopathies. Identifiers: Orphanet 167848, MedGen C0878544, MONDO:0004994, HP:0001638. Inheritance: Various modes of inheritance.

Submission:

Color Diagnostics, LLC DBA Color Health
Classification: Uncertain significance for Cardiomyopathy. Last evaluated: 2019-12-04. Review status: criteria provided, single submitter. Criteria: ACMG Guidelines, 2015. Collection method: clinical testing. Allele origin: germline.
Comment: This missense variant replaces leucine with isoleucine at codon 329 of the MYH7 protein. Computational prediction suggests that this variant may have deleterious impact on protein structure and function (internally defined REVEL score threshold >= 0.7, PMID: 27666373). Splice site prediction tools suggest that this variant may not impact RNA splicing. To our knowledge, functional studies have not been performed for this variant. This variant has not been reported in individuals affected with cardiovascular disorders in the literature. This variant has not been identified in the general population by the Genome Aggregation Database (gnomAD). The available evidence is insufficient to determine the role of this variant in disease conclusively. Therefore, this variant is classified as a Variant of Uncertain Significance.

NM_000257.4(MYH7):c.985C>A (p.Leu329Ile)

Gene: MYH7 (myosin heavy chain 7; minus strand). Cytogenetic location: 14q11.2.
Variant type: single nucleotide variant.
Coding change: c.985C>A on transcript NM_000257.4 (MANE Select); coding-DNA position 985, C replaced by A.
Protein change: p.Leu329Ile; replaces leucine 329 with isoleucine.
Molecular consequence: missense variant.
Genome position (GRCh38, 1-based): chr14:23,430,574, G>T on the plus strand (C>A on the coding strand, the complement: MYH7 is on the minus strand). VCF-style: chr14-23430574-G-T. GRCh37 (hg19) VCF-style: chr14-23899783-G-T.
Other names: short protein forms L329I.
Identifiers: ClinVar variation 923605 (VCV000923605.3), dbSNP rs1566536367, ClinGen allele CA389051617.